The following is an entry in ClinVar:

ClinVar aggregate classification (germline): Benign. Review status: reviewed by expert panel (3 of 4 stars). 12 submissions from 10 submitters: Benign (1). 11 of the submissions do not count toward it. Last evaluated 2025-08-19.

Conditions:
Gnathodiaphyseal dysplasia (GDD). Also called: GNATHODIAPHYSEAL SCLEROSIS; OSTEOGENESIS IMPERFECTA WITH UNUSUAL SKELETAL LESIONS. Identifiers: Orphanet 53697, MedGen C1833736, MONDO:0008151, OMIM 166260.
Autosomal recessive limb-girdle muscular dystrophy type 2L (LGMDR12). Also called: Limb-girdle muscular dystrophy, type 2L; MUSCULAR DYSTROPHY, LIMB-GIRDLE, AUTOSOMAL RECESSIVE 12; Limb-Girdle Muscular Dystrophy R12 Anoctamin-5-Related (LGMD-R12). Identifiers: Orphanet 206549, MedGen C1969785, MONDO:0012652, OMIM 611307.
Autosomal recessive limb-girdle muscular dystrophy. Identifiers: Orphanet 102015, MedGen C2931907, MONDO:0015152.
Miyoshi muscular dystrophy 3 (MMD3). Also called: Miyoshi myopathy 3; Miyoshi Muscular Dystrophy 3 (MMD3). Identifiers: Orphanet 399096, MedGen C2750076, MONDO:0013222, OMIM 613319.

Submissions (12):

ClinGen Limb Girdle Muscular Dystrophy Variant Curation Expert Panel, ClinGen
Classification: Benign for Autosomal recessive limb-girdle muscular dystrophy. Last evaluated: 2025-08-19. Review status: reviewed by expert panel. Criteria: ClinGen LGMD VCEP ACMG Specifications ANO5 V2.0.0. Collection method: curation. Allele origin: germline. Inheritance: Autosomal recessive inheritance.
Comment: The NM_213599.3: c.364-8del variant in the ANO5 gene is a single-base deletion located within the extended splice acceptor region (positions -20 to +1) for exon 5. The filtering allele frequency for this variant is 0.4429 in gnomAD v4.1.0 (the lower bound of the 95% CI of 33287/74482 African/African American chromosomes), which is higher than the VCEP threshold of 0.003 (BA1). It is not expected to alter the amino acid sequence and is not predicted to impact splicing (SpliceAI score 0) (BP4). In summary, this variant meets the criteria to be classified as Benign for autosomal recessive limb girdle muscular dystrophy based on the ACMG/AMP criteria applied, as specified by the ClinGen LGMD VCEP (LGMD VCEP specifications version 2.0.0; 08/19/2025): BA1, BP4.

Labcorp Genetics (formerly Invitae), Labcorp
Classification: Benign for Autosomal recessive limb-girdle muscular dystrophy type 2L; Gnathodiaphyseal dysplasia. Last evaluated: 2026-02-04. Review status: criteria provided, single submitter. Criteria: Invitae Variant Classification Sherloc (09022015). Collection method: clinical testing. Allele origin: germline. Not counted in ClinVar's aggregate classification.

Blueprint Genetics
Classification: Benign. Last evaluated: 2024-11-27. Review status: criteria provided, single submitter. Criteria: ACMG Guidelines, 2015. Collection method: clinical testing. Allele origin: germline. Not counted in ClinVar's aggregate classification.

Genome-Nilou Lab
Classification: Benign for Gnathodiaphyseal dysplasia. Last evaluated: 2021-12-05. Review status: criteria provided, single submitter. Criteria: ACMG Guidelines, 2015. Collection method: clinical testing. Allele origin: germline. Affected: no. Not counted in ClinVar's aggregate classification.

Genome-Nilou Lab
Classification: Benign for Miyoshi muscular dystrophy 3. Last evaluated: 2021-12-05. Review status: criteria provided, single submitter. Criteria: ACMG Guidelines, 2015. Collection method: clinical testing. Allele origin: germline. Affected: no. Not counted in ClinVar's aggregate classification.

Genome-Nilou Lab
Classification: Benign for Autosomal recessive limb-girdle muscular dystrophy type 2L. Last evaluated: 2021-12-05. Review status: criteria provided, single submitter. Criteria: ACMG Guidelines, 2015. Collection method: clinical testing. Allele origin: germline. Affected: no. Not counted in ClinVar's aggregate classification.

GeneDx
Classification: Benign. Last evaluated: 2016-03-09. Review status: criteria provided, single submitter. Criteria: GeneDx Variant Classification Process June 2021. Collection method: clinical testing. Allele origin: germline. Affected: yes. Not counted in ClinVar's aggregate classification.
Comment: This variant is associated with the following publications: (PMID: 23606453)

PreventionGenetics, part of Exact Sciences
Classification: Benign. Last evaluated: 2016-02-11. Review status: criteria provided, single submitter. Criteria: ACMG Guidelines, 2015. Collection method: clinical testing. Allele origin: germline. Not counted in ClinVar's aggregate classification.

Laboratory for Molecular Medicine, Mass General Brigham Personalized Medicine
Classification: Benign. Last evaluated: 2015-04-28. Review status: criteria provided, single submitter. Criteria: LMM Criteria. Collection method: clinical testing. Allele origin: germline. Observed: 1 variant allele. Not counted in ClinVar's aggregate classification.

Eurofins Ntd Llc (ga)
Classification: Benign. Last evaluated: 2013-03-25. Review status: criteria provided, single submitter. Criteria: EGL Classification Definitions 2015. Collection method: clinical testing. Allele origin: germline. Observed: 3 variant alleles, 3 heterozygotes. Not counted in ClinVar's aggregate classification.

Clinical Genetics, Academic Medical Center
Classification: Benign. Review status: no assertion criteria provided. Collection method: clinical testing. Allele origin: germline. Affected: yes. Study: VKGL Data-share Consensus. Not counted in ClinVar's aggregate classification.

Diagnostic Laboratory, Department of Genetics, University Medical Center Groningen
Classification: Benign. Review status: no assertion criteria provided. Collection method: clinical testing. Allele origin: germline. Affected: yes. Study: VKGL Data-share Consensus. Not counted in ClinVar's aggregate classification.

NM_213599.3(ANO5):c.364-8del

Gene: ANO5 (anoctamin 5; plus strand). Cytogenetic location: 11p14.3.
Variant type: Deletion.
Coding change: c.364-8del on transcript NM_213599.3 (MANE Select); 8 bases into the intron before coding-DNA position 364, one base deleted (T; older notation c.364-8delT).
Molecular consequence: intron variant.
Genome position (GRCh38, 1-based): chr11:22,227,294, T deleted; the last of 8 consecutive T bases (chr11:22,227,287-22,227,294); deleting any one gives the same sequence. VCF-style (leftmost placement, unchanged base first): chr11-22227286-CT-C. GRCh37 (hg19) VCF-style: chr11-22248832-CT-C.
Other names: c.361-8del (NM_001142649.2); c.364-8delT (NM_213599.2).
Identifiers: ClinVar variation 96684 (VCV000096684.27), dbSNP rs146983312, ClinGen allele CA149676.
Genomic context (GRCh38, chr11:22,227,286, plus strand): 5'-TATCCATCTTATTTAATCAGCTCAATAACAAACTGATCAGTAAGCTTTCTGCTGTTTTGC[CT>C]TTTTTTTAATGCAGGACTCGGAAGATGGAAGAACTTATTTTGTCAAGATCCATGCCCCTT-3'